The following is an entry in ClinVar:

NM_001204.7(BMPR2):c.1590C>A (p.Asn530Lys)

Gene: BMPR2 (bone morphogenetic protein receptor type 2; plus strand). Cytogenetic location: 2q33.2.
Variant type: single nucleotide variant.
Coding change: c.1590C>A on transcript NM_001204.7 (MANE Select); coding-DNA position 1590, C replaced by A.
Protein change: p.Asn530Lys; replaces asparagine 530 with lysine.
Molecular consequence: missense variant.
Genome position (GRCh38, 1-based): chr2:202,555,255, C>A. VCF-style: chr2-202555255-C-A. GRCh37 (hg19) VCF-style: chr2-203419978-C-A.
Other names: short protein forms N530K.
Identifiers: ClinVar variation 3992125 (VCV003992125.1).

ClinVar aggregate classification (germline): Uncertain significance (1 of 4 stars; one submission).

Conditions:
Inborn genetic diseases. Identifiers: MedGen C0950123, MeSH D030342.

Submission:

Ambry Genetics
Classification: Uncertain significance for Inborn genetic diseases. Last evaluated: 2025-04-18. Review status: criteria provided, single submitter. Criteria: Ambry Variant Classification Scheme 2023. Collection method: clinical testing. Allele origin: germline.
Comment: The p.N530K variant (also known as c.1590C>A), located in coding exon 12 of the BMPR2 gene, results from a C to A substitution at nucleotide position 1590. The asparagine at codon 530 is replaced by lysine, an amino acid with similar properties. This amino acid position is conserved. In addition, the in silico prediction for this alteration is inconclusive. Based on the available evidence, the clinical significance of this variant remains unclear.